The following is an entry in ClinVar:

NM_003235.5(TG):c.3364del (p.Ala1122fs)

Gene: TG (thyroglobulin; plus strand). Cytogenetic location: 8q24.22.
Variant type: Deletion.
Coding change: c.3364del on transcript NM_003235.5 (MANE Select); coding-DNA position 3364, one base deleted (G; older notation c.3364delG).
Protein change: p.Ala1122fs; shifts the reading frame from alanine 1122.
Molecular consequence: frameshift variant.
Genome position (GRCh38, 1-based): chr8:132,900,270, G deleted; the last of 5 consecutive G bases (chr8:132,900,266-132,900,270); deleting any one gives the same sequence. VCF-style (leftmost placement, unchanged base first): chr8-132900265-CG-C. GRCh37 (hg19) VCF-style: chr8-133912510-CG-C.
Other names: short protein forms A1122fs.
Identifiers: ClinVar variation 3639013 (VCV003639013.2).

ClinVar aggregate classification (germline): Pathogenic (1 of 4 stars; one submission).

Submission:

Labcorp Genetics (formerly Invitae), Labcorp
Classification: Pathogenic. Last evaluated: 2024-02-12. Review status: criteria provided, single submitter. Criteria: Invitae Variant Classification Sherloc (09022015). Collection method: clinical testing. Allele origin: germline.
Comment: This sequence change creates a premature translational stop signal (p.Ala1122Leufs*82) in the TG gene. It is expected to result in an absent or disrupted protein product. Loss-of-function variants in TG are known to be pathogenic (PMID: 19837936, 23164529). This variant is not present in population databases (gnomAD no frequency). This variant has not been reported in the literature in individuals affected with TG-related conditions. For these reasons, this variant has been classified as Pathogenic.

Literature cited by the submitters: PubMed 19837936; PubMed 23164529.